The following is an entry in ClinVar:

ClinVar aggregate classification (germline): Pathogenic/Likely pathogenic. Review status: criteria provided, multiple submitters, no conflicts (2 of 4 stars). 7 submissions from 7 submitters: Pathogenic (4); Likely pathogenic (3). Last evaluated 2025-10-06.

Conditions:
Hereditary cancer-predisposing syndrome. Also called: Neoplastic Syndromes, Hereditary; Hereditary Cancer Syndrome; Hereditary neoplastic syndrome; Tumor predisposition. Identifiers: Orphanet 140162, MedGen C0027672, MeSH D009386, MONDO:0015356.
Gastrointestinal stromal tumor. Also called: Gastrointestinal stroma tumor; Gastrointestinal stromal tumor, somatic. Identifiers: Orphanet 44890, MedGen C0238198, MeSH D046152, MONDO:0011719, OMIM 606764, HP:0100723.
Pheochromocytoma/paraganglioma syndrome 3. Also called: GLOMUS TUMORS, FAMILIAL, 3; Paragangliomas 3; SDHC-Related Hereditary Paraganglioma-Pheochromocytoma Syndrome (Paragangliomas 3); SDHC-Related Hereditary Paraganglioma-Pheochromocytoma Syndrome. Identifiers: Orphanet 29072, MedGen C1854336, MONDO:0011544, OMIM 605373.
Hereditary pheochromocytoma and paraganglioma. Also called: Hereditary Paraganglioma-Pheochromocytoma Syndromes; Hereditary pheochromocytoma-paraganglioma; Hereditary paragangliomas and pheochromocytomas. Identifiers: Orphanet 29072, MedGen C4274332, MONDO:0017366.

Allele frequency attached by ClinVar (database versions not stated): TOPMed below 0.00001; gnomAD 0.00001.
gnomAD v4.1: 2 of 1,614,046 alleles (0.00012%); highest among the groups gnomAD compares: Non-Finnish European, 0.00017%; no homozygotes.

Submissions (7):

GeneDx
Classification: Likely pathogenic. Last evaluated: 2025-10-06. Review status: criteria provided, single submitter. Criteria: GeneDx Variant Classification Process June 2021. Collection method: clinical testing. Allele origin: germline. Affected: yes.
Comment: Nonsense variant predicted to result in protein truncation, as the last 41 amino acid(s) are lost, and other loss-of-function variants have been reported downstream in HGMD; Not observed at significant frequency in large population cohorts (gnomAD); Has not been previously published as pathogenic or benign to our knowledge

Ambry Genetics
Classification: Pathogenic for Hereditary cancer-predisposing syndrome. Last evaluated: 2025-03-31. Review status: criteria provided, single submitter. Criteria: Ambry Variant Classification Scheme 2023. Collection method: clinical testing. Allele origin: germline.
Comment: The p.W129* pathogenic mutation (also known as c.387G>A), located in coding exon 5 of the SDHC gene, results from a G to A substitution at nucleotide position 387. This changes the amino acid from a tryptophan to a stop codon within coding exon 5. This variant is considered to be rare based on population cohorts in the Genome Aggregation Database (gnomAD). This alteration is expected to result in loss of function by premature protein truncation or nonsense-mediated mRNA decay. As such, this alteration is interpreted as a disease-causing mutation.

All of Us Research Program, National Institutes of Health
Classification: Pathogenic for Hereditary pheochromocytoma and paraganglioma. Last evaluated: 2024-09-16. Review status: criteria provided, single submitter. Criteria: ACMG Guidelines, 2015. Collection method: clinical testing. Allele origin: germline. Inheritance: Autosomal dominant inheritance. Observed: 1 variant allele, 1 heterozygote.
Comment: This variant changes 1 nucleotide in exon 5 of the SDHC gene, creating a premature translation stop signal. An mRNA with this variant may escape non-sense mediated decay, but is expected result in a non-functional protein product. To our knowledge, this variant has not been reported in individuals affected with SDHC-related disorders in the literature. A protein truncation carboxy-terminal to this variant is a French Canadian founder variant in SDHC (PMID: 27700540, ClinVar Variation ID: 183753). This variant has not been identified in the general population by the Genome Aggregation Database (gnomAD). Loss of SDHC function is a known mechanism of disease. Based on the available evidence, this variant is classified as Pathogenic.

This study involves interpretation of variants in research participants for the purpose of population health screening. Participant phenotype was not available at the time of variant classification. Additional details can be found in publication PMID: 35346344, PMCID: PMC8962531

Color Diagnostics, LLC DBA Color Health
Classification: Pathogenic for Hereditary pheochromocytoma and paraganglioma. Last evaluated: 2024-07-31. Review status: criteria provided, single submitter. Criteria: ACMG Guidelines, 2015. Collection method: clinical testing. Allele origin: germline.
Comment: This variant changes 1 nucleotide in exon 5 of the SDHC gene, creating a premature translation stop signal. An mRNA with this variant may escape non-sense mediated decay, but is expected result in a non-functional protein product. To our knowledge, this variant has not been reported in individuals affected with SDHC-related disorders in the literature. A protein truncation carboxy-terminal to this variant is a French Canadian founder variant in SDHC (PMID: 27700540, ClinVar Variation ID: 183753). This variant has not been identified in the general population by the Genome Aggregation Database (gnomAD). Loss of SDHC function is a known mechanism of disease. Based on the available evidence, this variant is classified as Pathogenic.

Baylor Genetics
Classification: Likely pathogenic for Gastrointestinal stromal tumor. Last evaluated: 2024-01-05. Review status: criteria provided, single submitter. Criteria: ACMG Guidelines, 2015. Collection method: clinical testing. Allele origin: unknown.

Labcorp Genetics (formerly Invitae), Labcorp
Classification: Pathogenic for Pheochromocytoma/paraganglioma syndrome 3; Gastrointestinal stromal tumor. Last evaluated: 2021-12-09. Review status: criteria provided, single submitter. Criteria: Invitae Variant Classification Sherloc (09022015). Collection method: clinical testing. Allele origin: germline.
Comment: This sequence change creates a premature translational stop signal (p.Trp129*) in the SDHC gene. While this is not anticipated to result in nonsense mediated decay, it is expected to disrupt the last 41 amino acid(s) of the SDHC protein. This variant is not present in population databases (gnomAD no frequency). This variant has not been reported in the literature in individuals affected with SDHC-related conditions. ClinVar contains an entry for this variant (Variation ID: 428935). This variant disrupts a region of the SDHC protein in which other variant(s) (p.Arg133*) have been determined to be pathogenic (PMID: 23083876, 24423348, 24758179, 27700540). This suggests that this is a clinically significant region of the protein, and that variants that disrupt it are likely to be disease-causing. For these reasons, this variant has been classified as Pathogenic.

Quest Diagnostics Nichols Institute San Juan Capistrano
Classification: Likely pathogenic. Last evaluated: 2018-11-02. Review status: criteria provided, single submitter. Criteria: Quest Diagnostics criteria. Collection method: clinical testing. Allele origin: germline.
Comment: The variant creates a premature nonsense codon, and is therefore predicted to significantly disrupt the protein structure. Not found in the total gnomAD dataset, and the data is high quality.

Literature cited by the submitters: PubMed 27700540 (cited by 3 submitters); PubMed 23083876 (cited by Labcorp Genetics (formerly Invitae), Labcorp); PubMed 24423348 (cited by Labcorp Genetics (formerly Invitae), Labcorp); PubMed 24758179 (cited by Labcorp Genetics (formerly Invitae), Labcorp).

NM_003001.5(SDHC):c.387G>A (p.Trp129Ter)

Gene: SDHC (succinate dehydrogenase complex subunit C; plus strand). Cytogenetic location: 1q23.3.
Variant type: single nucleotide variant.
Coding change: c.387G>A on transcript NM_003001.5 (MANE Select); coding-DNA position 387, G replaced by A.
Protein change: p.Trp129Ter; replaces tryptophan 129 with a stop codon.
Molecular consequence: nonsense. On other transcripts: non-coding transcript variant (1), intron variant (3).
Genome position (GRCh38, 1-based): chr1:161,356,822, G>A. VCF-style: chr1-161356822-G-A. GRCh37 (hg19) VCF-style: chr1-161326612-G-A.
Other names: c.285G>A, p.Trp95Ter (NM_001035512.3); c.228G>A, p.Trp76Ter (NM_001035513.3); c.507G>A, p.Trp169Ter (NM_001407115.1); c.330G>A, p.Trp110Ter (NM_001407116.1); c.324G>A, p.Trp108Ter (NM_001407117.1); c.279G>A, p.Trp93Ter (NM_001407118.1); c.276G>A, p.Trp92Ter (NM_001407119.1, NM_001407120.1); c.242-5507G>A (NM_001035511.3); and 2 more; short protein forms W129*, W95*, W76*, W108*, W169*, W92*, W93*, W110*.
Identifiers: ClinVar variation 428935 (VCV000428935.22), dbSNP rs981049067, ClinGen allele CA31433613.